The following is an entry in ClinVar:

NM_000747.3(CHRNB1):c.62T>G (p.Val21Gly)

Gene: CHRNB1 (cholinergic receptor nicotinic beta 1 subunit; plus strand). Cytogenetic location: 17p13.1.
Variant type: single nucleotide variant.
Coding change: c.62T>G on transcript NM_000747.3 (MANE Select); coding-DNA position 62, T replaced by G.
Protein change: p.Val21Gly; replaces valine 21 with glycine.
Molecular consequence: missense variant.
Genome position (GRCh38, 1-based): chr17:7,445,273, T>G. VCF-style: chr17-7445273-T-G. GRCh37 (hg19) VCF-style: chr17-7348592-T-G.
Other names: short protein forms V21G.
Identifiers: ClinVar variation 2231679 (VCV002231679.3), dbSNP rs2507845790, ClinGen allele CA397786545.

ClinVar aggregate classification (germline): Uncertain significance. Review status: criteria provided, multiple submitters, no conflicts (2 of 4 stars). 2 submissions from 2 submitters: Uncertain significance (2). Last evaluated 2025-10-06.

Conditions:
Inborn genetic diseases. Identifiers: MedGen C0950123, MeSH D030342.
Congenital myasthenic syndrome 2A. Also called: Myasthenic syndrome, congenital, 2a, slow-channel. Identifiers: Orphanet 590, MedGen C4225374, MONDO:0014581, OMIM 616313.

Submissions (2):

Labcorp Genetics (formerly Invitae), Labcorp
Classification: Uncertain significance for Congenital myasthenic syndrome 2A. Last evaluated: 2025-10-06. Review status: criteria provided, single submitter. Criteria: Invitae Variant Classification Sherloc (09022015). Collection method: clinical testing. Allele origin: germline.
Comment: This sequence change replaces valine, which is neutral and non-polar, with glycine, which is neutral and non-polar, at codon 21 of the CHRNB1 protein (p.Val21Gly). This variant is not present in population databases (gnomAD no frequency). This variant has not been reported in the literature in individuals affected with CHRNB1-related conditions. ClinVar contains an entry for this variant (Variation ID: 2231679). Invitae Evidence Modeling of protein sequence and biophysical properties (such as structural, functional, and spatial information, amino acid conservation, physicochemical variation, residue mobility, and thermodynamic stability) indicates that this missense variant is not expected to disrupt CHRNB1 protein function with a negative predictive value of 95%. In summary, the available evidence is currently insufficient to determine the role of this variant in disease. Therefore, it has been classified as a Variant of Uncertain Significance.

Ambry Genetics
Classification: Uncertain significance for Inborn genetic diseases. Last evaluated: 2021-06-18. Review status: criteria provided, single submitter. Criteria: Ambry Variant Classification Scheme 2023. Collection method: clinical testing. Allele origin: germline.